The following is an entry in ClinVar:

NM_001258392.3(CLPB):c.339G>A (p.Leu113=)

Gene: CLPB (ClpB family mitochondrial disaggregase; minus strand). Cytogenetic location: 11q13.4.
Variant type: single nucleotide variant.
Coding change: c.339G>A on transcript NM_001258392.3 (MANE Select); coding-DNA position 339, G replaced by A.
Protein change: p.Leu113=; no amino-acid change (leucine 113 retained).
Molecular consequence: synonymous variant. On other transcripts: missense variant (1).
Genome position (GRCh38, 1-based): chr11:72,434,136, C>T on the plus strand (G>A on the coding strand, the complement: CLPB is on the minus strand). VCF-style: chr11-72434136-C-T. GRCh37 (hg19) VCF-style: chr11-72145180-C-T.
Other names: c.339G>A, p.Leu113= (NM_001258393.3, NM_030813.6); c.97G>A, p.Gly33Arg (NM_001258394.3); short protein forms G33R.
Identifiers: ClinVar variation 4999581 (VCV004999581.1).

ClinVar aggregate classification (germline): Uncertain significance (1 of 4 stars; one submission).

Conditions:
CLPB-related disorder. Also called: CLPB-related condition.

gnomAD v4.1: 1 of 1,612,494 alleles (0.000062%); highest among the groups gnomAD compares: Non-Finnish European, 0.000085%; no homozygotes.

Submission:

PreventionGenetics, part of Exact Sciences
Classification: Uncertain significance for CLPB-related condition. Last evaluated: 2025-04-07. Review status: criteria provided, single submitter. Criteria: ACMG Guidelines, 2015. Collection method: clinical testing. Allele origin: germline.
Comment: The CLPB c.97G>A variant is predicted to result in the amino acid substitution p.Gly33Arg. To our knowledge, this variant has not been reported in the literature or in a large population database (gnomAD), indicating this variant is rare. At this time, the clinical significance of this variant is uncertain due to the absence of conclusive functional and genetic evidence.